The following is an entry in ClinVar:

ClinVar aggregate classification (germline): Conflicting classifications of pathogenicity. Review status: criteria provided, conflicting classifications (1 of 4 stars). 2 submissions from 2 submitters: Uncertain significance (1); Likely benign (1). Last evaluated 2026-04-01.

Conditions:
Inborn genetic diseases. Identifiers: MedGen C0950123, MeSH D030342.

gnomAD v4.1: 51 of 1,614,040 alleles (0.0032%); highest among the groups gnomAD compares: Non-Finnish European, 0.0038%; no homozygotes.

Submissions (2):

CeGaT Center for Human Genetics Tuebingen
Classification: Likely benign. Last evaluated: 2026-04-01. Review status: criteria provided, single submitter. Criteria: CeGaT Center For Human Genetics Tuebingen Variant Classification Criteria Version 2. Collection method: clinical testing. Allele origin: germline. Affected: yes. Observed: 1 variant allele.
Comment: TMEM63B: BP4, BS2

Ambry Genetics
Classification: Uncertain significance for Inborn genetic diseases. Last evaluated: 2025-09-04. Review status: criteria provided, single submitter. Criteria: Ambry Variant Classification Scheme 2023. Collection method: clinical testing. Allele origin: germline.

NM_018426.3(TMEM63B):c.974G>A (p.Arg325Gln)

Gene: TMEM63B (transmembrane protein 63B; plus strand). Cytogenetic location: 6p21.1.
Variant type: single nucleotide variant.
Coding change: c.974G>A on transcript NM_018426.3 (MANE Select); coding-DNA position 974, G replaced by A.
Protein change: p.Arg325Gln; replaces arginine 325 with glutamine.
Molecular consequence: missense variant.
Genome position (GRCh38, 1-based): chr6:44,147,487, G>A. VCF-style: chr6-44147487-G-A. GRCh37 (hg19) VCF-style: chr6-44115224-G-A.
Other names: c.974G>A, p.Arg325Gln (NM_001318792.1); short protein forms R325Q.
Identifiers: ClinVar variation 4187130 (VCV004187130.3).